The following is an entry in ClinVar:

ClinVar aggregate classification (germline): Uncertain significance. Review status: criteria provided, multiple submitters, no conflicts (2 of 4 stars). 4 submissions from 4 submitters: Uncertain significance (3). 1 of the submissions does not count toward it. Last evaluated 2024-03-01.

Conditions:
TUB-related disorder. Also called: TUB-related condition.

Allele frequency attached by ClinVar (database versions not stated): gnomAD 0.00003; ExAC below 0.00001; gnomAD exomes 0.00001; 1000 Genomes Project 0.00020; TOPMed 0.00002; 1000 Genomes Project 30x 0.00016.
gnomAD v4.1: 16 of 1,530,714 alleles (0.001%); highest among the groups gnomAD compares: African/African-American, 0.0097%; no homozygotes.

Submissions (4):

Blueprint Genetics
Classification: Uncertain significance. Last evaluated: 2024-03-01. Review status: criteria provided, single submitter. Criteria: ACMG Guidelines, 2015. Collection method: clinical testing. Allele origin: germline.

GeneDx
Classification: Uncertain significance. Last evaluated: 2024-01-16. Review status: criteria provided, single submitter. Criteria: GeneDx Variant Classification Process June 2021. Collection method: clinical testing. Allele origin: germline. Affected: yes.
Comment: Not observed at significant frequency in large population cohorts (gnomAD); In silico analysis supports that this missense variant does not alter protein structure/function; Has not been previously published as pathogenic or benign to our knowledge

Labcorp Genetics (formerly Invitae), Labcorp
Classification: Uncertain significance. Last evaluated: 2022-10-17. Review status: criteria provided, single submitter. Criteria: Invitae Variant Classification Sherloc (09022015). Collection method: clinical testing. Allele origin: germline.
Comment: In summary, the available evidence is currently insufficient to determine the role of this variant in disease. Therefore, it has been classified as a Variant of Uncertain Significance. Algorithms developed to predict the effect of missense changes on protein structure and function (SIFT, PolyPhen-2, Align-GVGD) all suggest that this variant is likely to be tolerated. ClinVar contains an entry for this variant (Variation ID: 1016113). This missense change has been observed in individual(s) with clinical features of TUB-related conditions (Invitae). This variant is not present in population databases (gnomAD no frequency). This sequence change replaces tyrosine, which is neutral and polar, with histidine, which is basic and polar, at codon 59 of the TUB protein (p.Tyr59His).

PreventionGenetics, part of Exact Sciences
Classification: Uncertain significance for TUB-related condition. Last evaluated: 2024-03-12. Review status: no assertion criteria provided. Collection method: clinical testing. Allele origin: germline. Not counted in ClinVar's aggregate classification.
Comment: The TUB c.175T>C variant is predicted to result in the amino acid substitution p.Tyr59His. To our knowledge, this variant has not been reported in the literature or in a large population database, indicating this variant is rare. At this time, the clinical significance of this variant is uncertain due to the absence of conclusive functional and genetic evidence.

NM_003320.5(TUB):c.175T>C (p.Tyr59His)

Gene: TUB (TUB bipartite transcription factor; plus strand). Cytogenetic location: 11p15.4.
Variant type: single nucleotide variant.
Coding change: c.175T>C on transcript NM_003320.5; coding-DNA position 175, T replaced by C.
Protein change: p.Tyr59His; replaces tyrosine 59 with histidine.
Molecular consequence: missense variant. On other transcripts: intron variant (4).
Genome position (GRCh38, 1-based): chr11:8,039,664, T>C. VCF-style: chr11-8039664-T-C. GRCh37 (hg19) VCF-style: chr11-8061211-T-C.
Other names: c.56+20306T>C (NM_001440538.1, NM_001440539.1, NM_001440540.1 and 1 more transcripts); short protein forms Y59H.
Identifiers: ClinVar variation 1016113 (VCV001016113.49), dbSNP rs199688428, ClinGen allele CA5870853.